The following is an entry in ClinVar:

ClinVar aggregate classification (germline): Uncertain significance (1 of 4 stars; one submission).

Allele frequency attached by ClinVar (database versions not stated): gnomAD exomes below 0.00001; TOPMed below 0.00001.
gnomAD v4.1: 5 of 1,613,906 alleles (0.00031%); highest among the groups gnomAD compares: Non-Finnish European, 0.00034%; no homozygotes.

Submission:

Labcorp Genetics (formerly Invitae), Labcorp
Classification: Uncertain significance. Last evaluated: 2025-08-12. Review status: criteria provided, single submitter. Criteria: Invitae Variant Classification Sherloc (09022015). Collection method: clinical testing. Allele origin: germline.
Comment: This sequence change replaces asparagine, which is neutral and polar, with serine, which is neutral and polar, at codon 724 of the COL4A1 protein (p.Asn724Ser). This variant is not present in population databases (gnomAD no frequency). This variant has not been reported in the literature in individuals affected with COL4A1-related conditions. ClinVar contains an entry for this variant (Variation ID: 1427960). Invitae Evidence Modeling of protein sequence and biophysical properties (such as structural, functional, and spatial information, amino acid conservation, physicochemical variation, residue mobility, and thermodynamic stability) indicates that this missense variant is not expected to disrupt COL4A1 protein function with a negative predictive value of 95%. In summary, the available evidence is currently insufficient to determine the role of this variant in disease. Therefore, it has been classified as a Variant of Uncertain Significance.

NM_001845.6(COL4A1):c.2171A>G (p.Asn724Ser)

Gene: COL4A1 (collagen type IV alpha 1 chain; minus strand). Cytogenetic location: 13q34.
Variant type: single nucleotide variant.
Coding change: c.2171A>G on transcript NM_001845.6 (MANE Select); coding-DNA position 2171, A replaced by G.
Protein change: p.Asn724Ser; replaces asparagine 724 with serine.
Molecular consequence: missense variant.
Genome position (GRCh38, 1-based): chr13:110,181,314, T>C on the plus strand (A>G on the coding strand, the complement: COL4A1 is on the minus strand). VCF-style: chr13-110181314-T-C. GRCh37 (hg19) VCF-style: chr13-110833661-T-C.
Other names: short protein forms N724S.
Identifiers: ClinVar variation 1427960 (VCV001427960.8), dbSNP rs1878139800, ClinGen allele CA388668880.